The following is an entry in ClinVar:

NM_000069.3(CACNA1S):c.812G>A (p.Gly271Asp)

Gene: CACNA1S (calcium voltage-gated channel subunit alpha1 S; minus strand). Cytogenetic location: 1q32.1.
Variant type: single nucleotide variant.
Coding change: c.812G>A on transcript NM_000069.3 (MANE Select); coding-DNA position 812, G replaced by A.
Protein change: p.Gly271Asp; replaces glycine 271 with aspartic acid.
Molecular consequence: missense variant.
Genome position (GRCh38, 1-based): chr1:201,089,346, C>T on the plus strand (G>A on the coding strand, the complement: CACNA1S is on the minus strand). VCF-style: chr1-201089346-C-T. GRCh37 (hg19) VCF-style: chr1-201058474-C-T.
Other names: c.812G>A (NM_000069.2); short protein forms G271D.
Identifiers: ClinVar variation 3070161 (VCV003070161.3), dbSNP rs1200305716, ClinGen allele CA344135611.

ClinVar aggregate classification (germline): Uncertain significance. Review status: criteria provided, multiple submitters, no conflicts (2 of 4 stars). 3 submissions from 3 submitters: Uncertain significance (3). Last evaluated 2025-09-18.

Conditions:
Malignant hyperthermia, susceptibility to, 5 (MHS5). Also called: CACNA1S-Related Malignant Hyperthermia Susceptibility. Identifiers: Orphanet 423, MedGen C1866077, MONDO:0011163, OMIM 601887.
Inborn genetic diseases. Identifiers: MedGen C0950123, MeSH D030342.

Allele frequency attached by ClinVar (database versions not stated): TOPMed below 0.00001; gnomAD exomes 0.00001.
gnomAD v4.1: 9 of 1,614,260 alleles (0.00056%); highest among the groups gnomAD compares: Non-Finnish European, 0.00076%; no homozygotes.

Submissions (3):

Color Diagnostics, LLC DBA Color Health
Classification: Uncertain significance for Malignant hyperthermia, susceptibility to, 5. Last evaluated: 2025-09-18. Review status: criteria provided, single submitter. Criteria: ACMG Guidelines, 2015. Collection method: clinical testing. Allele origin: germline.
Comment: This missense variant replaces glycine with aspartic acid at codon 271 of the CACNA1S protein. Computational prediction suggests that this variant may have deleterious impact on protein structure and function. To our knowledge, functional studies have not been reported for this variant. This variant has not been reported in individuals affected with CACNA1S-related disorders in the literature. This variant has been identified in 1/251372 chromosomes in the general population by the Genome Aggregation Database (gnomAD). The available evidence is insufficient to determine the role of this variant in disease conclusively. Therefore, this variant is classified as a Variant of Uncertain Significance.

Ambry Genetics
Classification: Uncertain significance for Inborn genetic diseases. Last evaluated: 2024-11-21. Review status: criteria provided, single submitter. Criteria: Ambry Variant Classification Scheme 2023. Collection method: clinical testing. Allele origin: germline.

All of Us Research Program, National Institutes of Health
Classification: Uncertain significance for Malignant hyperthermia, susceptibility to, 5. Last evaluated: 2023-04-03. Review status: criteria provided, single submitter. Criteria: ACMG Guidelines, 2015. Collection method: clinical testing. Allele origin: germline. Inheritance: Autosomal dominant inheritance. Observed: 1 variant allele, 1 heterozygote.
Comment: This missense variant replaces glycine with aspartic acid at codon 271 of the CACNA1S protein. Computational prediction suggests that this variant may have deleterious impact on protein structure and function (internally defined REVEL score threshold >= 0.7, PMID: 27666373). To our knowledge, functional studies have not been reported for this variant. This variant has not been reported in individuals affected with CACNA1S-related disorders in the literature. This variant has been identified in 1/251372 chromosomes in the general population by the Genome Aggregation Database (gnomAD). The available evidence is insufficient to determine the role of this variant in disease conclusively. Therefore, this variant is classified as a Variant of Uncertain Significance.

This study involves interpretation of variants in research participants for the purpose of population health screening. Participant phenotype was not available at the time of variant classification. Additional details can be found in publication PMID: 35346344, PMCID: PMC8962531